The following is an entry in ClinVar:

ClinVar aggregate classification (germline): Uncertain significance (1 of 4 stars; one submission).

Conditions:
Multiple gastrointestinal atresias. Also called: FAMILIAL INTESTINAL POLYATRESIA SYNDROME; Multiple intestinal atresia. Identifiers: Orphanet 2300, MedGen C0220744, MONDO:0009465.

Submission:

Labcorp Genetics (formerly Invitae), Labcorp
Classification: Uncertain significance for Multiple gastrointestinal atresias. Last evaluated: 2022-08-15. Review status: criteria provided, single submitter. Criteria: Invitae Variant Classification Sherloc (09022015). Collection method: clinical testing. Allele origin: germline.
Comment: This sequence change replaces isoleucine, which is neutral and non-polar, with valine, which is neutral and non-polar, at codon 149 of the TTC7A protein (p.Ile149Val). This variant is not present in population databases (gnomAD no frequency). In summary, the available evidence is currently insufficient to determine the role of this variant in disease. Therefore, it has been classified as a Variant of Uncertain Significance. Algorithms developed to predict the effect of missense changes on protein structure and function (SIFT, PolyPhen-2, Align-GVGD) all suggest that this variant is likely to be tolerated. ClinVar contains an entry for this variant (Variation ID: 1043605). This variant has not been reported in the literature in individuals affected with TTC7A-related conditions.

NM_020458.4(TTC7A):c.445A>G (p.Ile149Val)

Gene: TTC7A (tetratricopeptide repeat domain 7A; plus strand). Cytogenetic location: 2p21.
Variant type: single nucleotide variant.
Coding change: c.445A>G on transcript NM_020458.4 (MANE Select); coding-DNA position 445, A replaced by G.
Protein change: p.Ile149Val; replaces isoleucine 149 with valine.
Molecular consequence: missense variant. On other transcripts: 5 prime UTR variant (1).
Genome position (GRCh38, 1-based): chr2:46,956,935, A>G. VCF-style: chr2-46956935-A-G. GRCh37 (hg19) VCF-style: chr2-47184074-A-G.
Other names: c.445A>G, p.Ile149Val (NM_001288951.2); c.343A>G, p.Ile115Val (NM_001288953.2); c.-460A>G (NM_001288955.2); short protein forms I149V, I115V.
Identifiers: ClinVar variation 1043605 (VCV001043605.11), dbSNP rs1671912445, ClinGen allele CA346718745.
Genomic context (GRCh38, chr2:46,956,935, plus strand): 5'-AAACTGCATTACGTGGAGGGCTCATACCGAGATGCCATCAGCATGTACGCACGGGCCGGG[A>G]TTGATGACATGTCCATGGAGAACAAGCCCCTGTATCAGATGCGGCTGCTGTCGGAGGCTT-3'
Protein context (NP_065191.2, residues 139-159): DAISMYARAG[Ile149Val]DDMSMENKPL